The following is an entry in ClinVar:

ClinVar aggregate classification (germline): Likely pathogenic (1 of 4 stars; one submission).

Conditions:
Microcephaly 5, primary, autosomal recessive (MCPH5). Also called: ASPM Primary Microcephaly. Identifiers: Orphanet 2512, MedGen C1837501, MONDO:0012106, OMIM 608716.

Submission:

First Genomix Gene Laboratory, Genetic Diagnostics Department
Classification: Likely pathogenic for Microcephaly 5, primary, autosomal recessive. Last evaluated: 2025-01-10. Review status: criteria provided, single submitter. Criteria: ACMG Guidelines, 2015. Collection method: clinical testing. Allele origin: germline. Inheritance: Autosomal recessive inheritance. Affected: no. Observed: 1 variant allele.

NM_018136.5(ASPM):c.3168+2T>C

Gene: ASPM (assembly factor for spindle microtubules; minus strand). Cytogenetic location: 1q31.3.
Variant type: single nucleotide variant.
Coding change: c.3168+2T>C on transcript NM_018136.5 (MANE Select); the canonical splice donor site of the intron after coding-DNA position 3168, T replaced by C.
Molecular consequence: splice donor variant.
Genome position (GRCh38, 1-based): chr1:197,124,868, A>G on the plus strand (T>C on the coding strand, the complement: ASPM is on the minus strand). VCF-style: chr1-197124868-A-G. GRCh37 (hg19) VCF-style: chr1-197093998-A-G.
Other names: c.3168+2T>C (NM_001206846.2).
Identifiers: ClinVar variation 4845758 (VCV004845758.1).